The following is an entry in ClinVar:

NM_001369.3(DNAH5):c.13073G>A (p.Arg4358Gln)

Gene: DNAH5 (dynein axonemal heavy chain 5; minus strand). Cytogenetic location: 5p15.2.
Variant type: single nucleotide variant.
Coding change: c.13073G>A on transcript NM_001369.3 (MANE Select); coding-DNA position 13073, G replaced by A.
Protein change: p.Arg4358Gln; replaces arginine 4358 with glutamine.
Molecular consequence: missense variant.
Genome position (GRCh38, 1-based): chr5:13,714,457, C>T on the plus strand (G>A on the coding strand, the complement: DNAH5 is on the minus strand). VCF-style: chr5-13714457-C-T. GRCh37 (hg19) VCF-style: chr5-13714566-C-T.
Other names: short protein forms R4358Q.
Identifiers: ClinVar variation 525525 (VCV000525525.50), dbSNP rs144949095, ClinGen allele CA3201457.

ClinVar aggregate classification (germline): Conflicting classifications of pathogenicity. Review status: criteria provided, conflicting classifications (1 of 4 stars). 7 submissions from 7 submitters: Uncertain significance (3); Benign (1); Likely benign (3). Last evaluated 2026-01-08.

Conditions:
Primary ciliary dyskinesia 3. Identifiers: Orphanet 244, MedGen C1837618, MONDO:0012085, OMIM 608644.
DNAH5-related disorder. Also called: DNAH5-related condition.
Primary ciliary dyskinesia. Also called: Ciliary dyskinesia. Identifiers: Orphanet 244, MedGen C0008780, MONDO:0016575, HP:0012265.

Allele frequency attached by ClinVar (database versions not stated): gnomAD exomes 0.00042 and 0.00010; ExAC 0.00048; TOPMed 0.00053; 1000 Genomes Project 0.00120; 1000 Genomes Project 30x 0.00125; ESP Exome Variant Server 0.00008; gnomAD 0.00032 and 0.00034.
gnomAD v4.1: 242 of 1,614,108 alleles (0.015%); highest among the groups gnomAD compares: East Asian, 0.26%; 1 homozygote.

Submissions (7):

Ambry Genetics
Classification: Benign for Primary ciliary dyskinesia. Last evaluated: 2026-01-08. Review status: criteria provided, single submitter. Criteria: Ambry Variant Classification Scheme 2023. Collection method: clinical testing. Allele origin: germline.

PreventionGenetics, part of Exact Sciences
Classification: Likely benign for DNAH5-related condition. Last evaluated: 2025-11-07. Review status: criteria provided, single submitter. Criteria: ACMG Guidelines, 2015. Collection method: clinical testing. Allele origin: germline.
Comment: This variant is classified as likely benign based on ACMG/AMP sequence variant interpretation guidelines (Richards et al. 2015 PMID: 25741868, with internal and published modifications).

Labcorp Genetics (formerly Invitae), Labcorp
Classification: Likely benign for Primary ciliary dyskinesia. Last evaluated: 2025-10-09. Review status: criteria provided, single submitter. Criteria: Invitae Variant Classification Sherloc (09022015). Collection method: clinical testing. Allele origin: germline.

GeneDx
Classification: Uncertain significance. Last evaluated: 2024-12-04. Review status: criteria provided, single submitter. Criteria: GeneDx Variant Classification Process June 2021. Collection method: clinical testing. Allele origin: germline. Affected: yes.
Comment: In silico analysis supports that this missense variant has a deleterious effect on protein structure/function; Reported along with a second variant in the DNAH5 gene in siblings with bronchiectasis in the published literature; however, segregation information was not provided (PMID: 29997923); This variant is associated with the following publications: (PMID: 29997923)

Blueprint Genetics
Classification: Likely benign. Last evaluated: 2024-10-03. Review status: criteria provided, single submitter. Criteria: ACMG Guidelines, 2015. Collection method: clinical testing. Allele origin: germline.

CeGaT Center for Human Genetics Tuebingen
Classification: Uncertain significance. Last evaluated: 2022-06-01. Review status: criteria provided, single submitter. Criteria: CeGaT Center For Human Genetics Tuebingen Variant Classification Criteria Version 2. Collection method: clinical testing. Allele origin: germline. Affected: yes. Observed: 1 variant allele.
Comment: DNAH5: PM2, BP4

Illumina Laboratory Services, Illumina
Classification: Uncertain significance for Primary ciliary dyskinesia 3. Last evaluated: 2017-04-27. Review status: criteria provided, single submitter. Criteria: ICSL Variant Classification Criteria 13 December 2019. Collection method: clinical testing. Allele origin: germline.